The following is an entry in ClinVar:

ClinVar aggregate classification (germline): Uncertain significance (1 of 4 stars; one submission).

Conditions:
Christianson syndrome (MRXSCH). Also called: X-linked mental retardation, syndromic, Christianson type; SLC9A6-Related Syndromic Mental Retardation; INTELLECTUAL DEVELOPMENTAL DISORDER, X-LINKED, SYNDROMIC, CHRISTIANSON TYPE. Identifiers: Orphanet 85278, MedGen C2678194, MONDO:0010278, OMIM 300243.

Allele frequency attached by ClinVar (database versions not stated): gnomAD exomes below 0.00001.
gnomAD v4.1: 1 of 1,211,669 alleles (0.000083%); highest among the groups gnomAD compares: Non-Finnish European, 0.00011%; no homozygotes.

Submission:

Labcorp Genetics (formerly Invitae), Labcorp
Classification: Uncertain significance for Christianson syndrome. Last evaluated: 2023-04-23. Review status: criteria provided, single submitter. Criteria: Invitae Variant Classification Sherloc (09022015). Collection method: clinical testing. Allele origin: germline.
Comment: This sequence change replaces arginine, which is basic and polar, with cysteine, which is neutral and slightly polar, at codon 97 of the SLC9A6 protein (p.Arg97Cys). This variant is not present in population databases (gnomAD no frequency). This variant has not been reported in the literature in individuals affected with SLC9A6-related conditions. Advanced modeling of protein sequence and biophysical properties (such as structural, functional, and spatial information, amino acid conservation, physicochemical variation, residue mobility, and thermodynamic stability) has been performed at Invitae for this missense variant, however the output from this modeling did not meet the statistical confidence thresholds required to predict the impact of this variant on SLC9A6 protein function. In summary, the available evidence is currently insufficient to determine the role of this variant in disease. Therefore, it has been classified as a Variant of Uncertain Significance.

NM_001379110.1(SLC9A6):c.133C>T (p.Arg45Cys)

Genes: SLC9A6 (solute carrier family 9 member A6; plus strand), LOC130068747 (ATAC-STARR-seq lymphoblastoid active region 29988; plus strand). Cytogenetic location: Xq26.3.
Variant type: single nucleotide variant.
Coding change: c.133C>T on transcript NM_001379110.1 (MANE Select); coding-DNA position 133, C replaced by T.
Protein change: p.Arg45Cys; replaces arginine 45 with cysteine.
Molecular consequence: missense variant.
Genome position (GRCh38, 1-based): chrX:135,985,791, C>T. VCF-style: chrX-135985791-C-T. GRCh37 (hg19) VCF-style: chrX-135067950-C-T.
Other names: c.289C>T, p.Arg97Cys (NM_001042537.2, NM_006359.3); c.133C>T, p.Arg45Cys (NM_001177651.2, NM_001330652.2, NM_001400909.1 and 4 more transcripts); short protein forms R45C, R97C.
Identifiers: ClinVar variation 2858602 (VCV002858602.3), dbSNP rs2521067675, ClinGen allele CA414606929.